The following is an entry in ClinVar:

ClinVar aggregate classification (germline): Uncertain significance (1 of 4 stars; one submission).

Conditions:
Leber congenital amaurosis 4 (LCA4). Identifiers: MedGen C1858386, MONDO:0011458, OMIM 604393.

Submission:

Labcorp Genetics (formerly Invitae), Labcorp
Classification: Uncertain significance for Leber congenital amaurosis 4. Last evaluated: 2024-05-16. Review status: criteria provided, single submitter. Criteria: Invitae Variant Classification Sherloc (09022015). Collection method: clinical testing. Allele origin: germline.
Comment: This sequence change replaces aspartic acid, which is acidic and polar, with histidine, which is basic and polar, at codon 138 of the AIPL1 protein (p.Asp138His). This variant is not present in population databases (gnomAD no frequency). This missense change has been observed in individual(s) with clinical features of cone-rod dystrophy (Invitae). ClinVar contains an entry for this variant (Variation ID: 1403310). Advanced modeling of protein sequence and biophysical properties (such as structural, functional, and spatial information, amino acid conservation, physicochemical variation, residue mobility, and thermodynamic stability) performed at Invitae indicates that this missense variant is expected to disrupt AIPL1 protein function with a positive predictive value of 80%. In summary, the available evidence is currently insufficient to determine the role of this variant in disease. Therefore, it has been classified as a Variant of Uncertain Significance.

NM_014336.5(AIPL1):c.412G>C (p.Asp138His)

Gene: AIPL1 (AIP like 1 HSP90 co-chaperone; minus strand). Cytogenetic location: 17p13.2.
Variant type: single nucleotide variant.
Coding change: c.412G>C on transcript NM_014336.5 (MANE Select); coding-DNA position 412, G replaced by C.
Protein change: p.Asp138His; replaces aspartic acid 138 with histidine.
Molecular consequence: missense variant. On other transcripts: intron variant (1).
Genome position (GRCh38, 1-based): chr17:6,428,371, C>G on the plus strand (G>C on the coding strand, the complement: AIPL1 is on the minus strand). VCF-style: chr17-6428371-C-G. GRCh37 (hg19) VCF-style: chr17-6331691-C-G.
Other names: c.376G>C, p.Asp126His (NM_001285399.3); c.346G>C, p.Asp116His (NM_001285400.3); c.412G>C, p.Asp138His (NM_001285401.3, NM_001285403.4); c.295G>C, p.Asp99His (NM_001285402.2); c.277-1314G>C (NM_001033054.3); c.232G>C, p.Asp78His (NM_001033055.3); short protein forms D116H, D126H, D138H, D78H, D99H.
Identifiers: ClinVar variation 1403310 (VCV001403310.7), dbSNP rs1912211534, ClinGen allele CA397396224.